The following is an entry in ClinVar:

NM_004247.4(EFTUD2):c.702G>T (p.Gly234=)

Gene: EFTUD2 (elongation factor Tu GTP binding domain containing 2; minus strand). Cytogenetic location: 17q21.31.
Variant type: single nucleotide variant.
Coding change: c.702G>T on transcript NM_004247.4 (MANE Select); coding-DNA position 702, G replaced by T.
Protein change: p.Gly234=; no amino-acid change (glycine 234 retained).
Molecular consequence: synonymous variant.
Genome position (GRCh38, 1-based): chr17:44,879,556, C>A on the plus strand (G>T on the coding strand, the complement: EFTUD2 is on the minus strand). VCF-style: chr17-44879556-C-A. GRCh37 (hg19) VCF-style: chr17-42956924-C-A.
Other names: c.597G>T, p.Gly199= (NM_001142605.2); c.702G>T, p.Gly234= (NM_001258353.2); c.672G>T, p.Gly224= (NM_001258354.2).
Identifiers: ClinVar variation 929430 (VCV000929430.3), dbSNP rs2051032338, ClinGen allele CA500314620.

ClinVar aggregate classification (germline): Pathogenic (0 of 4 stars; one submission).

Conditions:
Mandibulofacial dysostosis-microcephaly syndrome (MFDGA). Also called: Mandibulofacial dysostosis, Guion-Almeida type; Growth and mental retardation, mandibulofacial dysostosis, microcephaly, and cleft palate. Identifiers: Orphanet 79113, MedGen C1864652, MONDO:0012516, OMIM 610536.

Submission:

CNRS UMR1283, Université de Lille
Classification: Pathogenic for Mandibulofacial dysostosis-microcephaly syndrome. Last evaluated: 2020-05-18. Review status: no assertion criteria provided. Collection method: clinical testing. Allele origin: de novo. Inheritance: Autosomal dominant inheritance. Affected: yes. Observed: 1 heterozygote.
Comment: The de novo synonymous variant c.702G>T ; This variant in the EFTUD2 gene was absent from large population studies. We demonstrated that this synonymous variant disrupts the donor splice-site in intron 9 resulting in the skipping of exon 9 and a frameshift that leads to a premature stop codon.